The following is an entry in ClinVar:

NM_000179.3(MSH6):c.1968C>G (p.Pro656=)

Gene: MSH6 (mutS homolog 6; plus strand). Cytogenetic location: 2p16.3.
Variant type: single nucleotide variant.
Coding change: c.1968C>G on transcript NM_000179.3 (MANE Select); coding-DNA position 1968, C replaced by G.
Protein change: p.Pro656=; no amino-acid change (proline 656 retained).
Molecular consequence: synonymous variant.
Genome position (GRCh38, 1-based): chr2:47,799,951, C>G. VCF-style: chr2-47799951-C-G. GRCh37 (hg19) VCF-style: chr2-48027090-C-G.
Other names: c.1578C>G, p.Pro526= (NM_001281492.2); c.1062C>G, p.Pro354= (NM_001281493.2, NM_001281494.2).
Identifiers: ClinVar variation 525924 (VCV000525924.14), dbSNP rs1553413333, ClinGen allele CA426121251.
Genomic context (GRCh38, chr2:47,799,951, plus strand): 5'-TCTCCTTGAGGAAGAATATTTTAGGGAAAAGCTAAGTGATGGCATTGGGGTGATGTTACC[C>G]CAGGTGCTTAAAGGTATGACTTCAGAGTCTGATTCCATTGGGTTGACACCAGGAGAGAAA-3'
Protein context (NP_000170.1, residues 646-666): KLSDGIGVML[Pro656=]QVLKGMTSES

ClinVar aggregate classification (germline): Benign/Likely benign. Review status: criteria provided, multiple submitters, no conflicts (2 of 4 stars). 4 submissions from 4 submitters: Benign (1); Likely benign (3). Last evaluated 2025-09-09.

Conditions:
Hereditary nonpolyposis colorectal neoplasms. Identifiers: MedGen C0009405, MeSH D003123.
Hereditary cancer-predisposing syndrome. Also called: Neoplastic Syndromes, Hereditary; Tumor predisposition; Hereditary Cancer Syndrome; Hereditary neoplastic syndrome. Identifiers: Orphanet 140162, MedGen C0027672, MeSH D009386, MONDO:0015356.
Lynch syndrome 5 (LYNCH5). Also called: Colorectal cancer, hereditary nonpolyposis, type 5; Hereditary non-polyposis colorectal cancer, type 5. Identifiers: Orphanet 144, MedGen C1833477, MONDO:0013710, OMIM 614350. Disease mechanism: loss of function.

gnomAD v4.1: 3 of 1,614,014 alleles (0.00019%); highest among the groups gnomAD compares: Non-Finnish European, 0.00017%; no homozygotes.

Submissions (4):

Labcorp Genetics (formerly Invitae), Labcorp
Classification: Likely benign for Hereditary nonpolyposis colorectal neoplasms. Last evaluated: 2025-09-09. Review status: criteria provided, single submitter. Criteria: Invitae Variant Classification Sherloc (09022015). Collection method: clinical testing. Allele origin: germline.

Quest Diagnostics Nichols Institute San Juan Capistrano
Classification: Likely benign. Last evaluated: 2025-08-14. Review status: criteria provided, single submitter. Criteria: Quest Diagnostics criteria. Collection method: clinical testing. Allele origin: unknown.

Ambry Genetics
Classification: Likely benign for Hereditary cancer-predisposing syndrome. Last evaluated: 2025-06-25. Review status: criteria provided, single submitter. Criteria: Ambry Variant Classification Scheme 2023. Collection method: clinical testing. Allele origin: germline.

Myriad Genetics, Inc.
Classification: Benign for Lynch syndrome 5. Last evaluated: 2024-12-30. Review status: criteria provided, single submitter. Criteria: Myriad Autosomal Dominant, Autosomal Recessive and X-Linked Classification Criteria (2023). Collection method: clinical testing. Allele origin: unknown.
Comment: This variant is considered benign. This variant is a silent/synonymous amino acid change and it is not expected to impact splicing.